The following is an entry in ClinVar:

ClinVar aggregate classification (germline): Likely benign (0 of 4 stars; one submission).

Conditions:
ARX-related disorder. Also called: ARX-Related Disorders; ARX-related condition. Identifiers: MedGen CN378769.

Submission:

PreventionGenetics, part of Exact Sciences
Classification: Likely benign for ARX-related condition. Last evaluated: 2021-08-13. Review status: no assertion criteria provided. Collection method: clinical testing. Allele origin: germline.
Comment: This variant is classified as likely benign based on ACMG/AMP sequence variant interpretation guidelines (Richards et al. 2015 PMID: 25741868, with internal and published modifications).

NM_139058.3(ARX):c.177C>T (p.Asp59=)

Gene: ARX (aristaless related homeobox; minus strand). Cytogenetic location: Xp21.3.
Variant type: single nucleotide variant.
Coding change: c.177C>T on transcript NM_139058.3 (MANE Select); coding-DNA position 177, C replaced by T.
Protein change: p.Asp59=; no amino-acid change (aspartic acid 59 retained).
Molecular consequence: synonymous variant.
Genome position (GRCh38, 1-based): chrX:25,015,561, G>A on the plus strand (C>T on the coding strand, the complement: ARX is on the minus strand). VCF-style: chrX-25015561-G-A. GRCh37 (hg19) VCF-style: chrX-25033678-G-A.
Identifiers: ClinVar variation 3029685 (VCV003029685.2), dbSNP rs2519109123, ClinGen allele CA515749772.
Genomic context (GRCh38, chrX:25,015,561, plus strand): 5'-GCCCAATGCCCTTAGTAAGTGCCTGACGGGAGCATCCTTACCTTGCACGGCCTTTTCCGG[G>A]TCGGCGCGGCTGGTCAGCGGAGCAGGCAAGCTCTGCGCGGCTCCCAGCAACCGCATTTTG-3'
Protein context (NP_620689.1, residues 49-69): SLPAPLTSRA[Asp59=]PEKAVQGSPK